The following is an entry in ClinVar:

NM_015338.6(ASXL1):c.3938C>T (p.Thr1313Ile)

Gene: ASXL1 (ASXL transcriptional regulator 1; plus strand). Cytogenetic location: 20q11.21.
Variant type: single nucleotide variant.
Coding change: c.3938C>T on transcript NM_015338.6 (MANE Select); coding-DNA position 3938, C replaced by T.
Protein change: p.Thr1313Ile; replaces threonine 1313 with isoleucine.
Molecular consequence: missense variant.
Genome position (GRCh38, 1-based): chr20:32,436,650, C>T. VCF-style: chr20-32436650-C-T. GRCh37 (hg19) VCF-style: chr20-31024453-C-T.
Other names: c.3755C>T, p.Thr1252Ile (NM_001363734.1); short protein forms T1313I, T1252I.
Identifiers: ClinVar variation 1429393 (VCV001429393.6), dbSNP rs2145389801, ClinGen allele CA408564110.

ClinVar aggregate classification (germline): Uncertain significance (1 of 4 stars; one submission).

gnomAD v4.1: 9 of 1,614,050 alleles (0.00056%); highest among the groups gnomAD compares: Non-Finnish European, 0.00068%; no homozygotes.

Submission:

Labcorp Genetics (formerly Invitae), Labcorp
Classification: Uncertain significance. Last evaluated: 2021-12-02. Review status: criteria provided, single submitter. Criteria: Invitae Variant Classification Sherloc (09022015). Collection method: clinical testing. Allele origin: germline.
Comment: In summary, the available evidence is currently insufficient to determine the role of this variant in disease. Therefore, it has been classified as a Variant of Uncertain Significance. Algorithms developed to predict the effect of missense changes on protein structure and function (SIFT, PolyPhen-2, Align-GVGD) all suggest that this variant is likely to be tolerated. This variant has not been reported in the literature in individuals affected with ASXL1-related conditions. This variant is not present in population databases (gnomAD no frequency). This sequence change replaces threonine, which is neutral and polar, with isoleucine, which is neutral and non-polar, at codon 1313 of the ASXL1 protein (p.Thr1313Ile).